The following is an entry in ClinVar:

NM_001369.3(DNAH5):c.8659G>T (p.Glu2887Ter)

Gene: DNAH5 (dynein axonemal heavy chain 5; minus strand). Cytogenetic location: 5p15.2.
Variant type: single nucleotide variant.
Coding change: c.8659G>T on transcript NM_001369.3 (MANE Select); coding-DNA position 8659, G replaced by T.
Protein change: p.Glu2887Ter; replaces glutamic acid 2887 with a stop codon.
Molecular consequence: nonsense.
Genome position (GRCh38, 1-based): chr5:13,786,340, C>A on the plus strand (G>T on the coding strand, the complement: DNAH5 is on the minus strand). VCF-style: chr5-13786340-C-A. GRCh37 (hg19) VCF-style: chr5-13786449-C-A.
Other names: short protein forms E2887*.
Identifiers: ClinVar variation 1726448 (VCV001726448.2), dbSNP rs2546713783, ClinGen allele CA359215720.
Genomic context (GRCh38, chr5:13,786,340, plus strand): 5'-TTAGGTGACTAAAAGATTCAATTGGCTCATAAATTTTAGGTGTTTCAGCATCAGCCTCTT[C>A]AGATGTTTCACCTTTGGTGGGAAATAAGAATCAGTTAAGTTTCTGCAAATACCTGCATTT-3'

ClinVar aggregate classification (germline): Likely pathogenic (1 of 4 stars; one submission).

Conditions:
Primary ciliary dyskinesia 3. Identifiers: Orphanet 244, MedGen C1837618, MONDO:0012085, OMIM 608644.

Submission:

Myriad Genetics, Inc.
Classification: Likely pathogenic for Primary ciliary dyskinesia 3. Last evaluated: 2021-12-17. Review status: criteria provided, single submitter. Criteria: Myriad Women's Health Autosomal Recessive and X-Linked Classification Criteria (2021). Collection method: clinical testing. Allele origin: unknown.
Comment: NM_001369.2(DNAH5):c.8659G>T(E2887*) is expected to be pathogenic in the context of DNAH5-related primary ciliary dyskinesia. This variant is predicted to lead to an abnormal or absent protein product due to the creation of a premature termination codon in DNAH5, a gene where loss-of-function variants are known to be pathogenic. Please note: this variant was assessed in the context of healthy population screening.